The following is an entry in ClinVar:

NM_006231.4(POLE):c.5233G>A (p.Val1745Ile)

Gene: POLE (DNA polymerase epsilon, catalytic subunit; minus strand). Cytogenetic location: 12q24.33.
Variant type: single nucleotide variant.
Coding change: c.5233G>A on transcript NM_006231.4 (MANE Select); coding-DNA position 5233, G replaced by A.
Protein change: p.Val1745Ile; replaces valine 1745 with isoleucine.
Molecular consequence: missense variant.
Genome position (GRCh38, 1-based): chr12:132,641,792, C>T on the plus strand (G>A on the coding strand, the complement: POLE is on the minus strand). VCF-style: chr12-132641792-C-T. GRCh37 (hg19) VCF-style: chr12-133218378-C-T.
Other names: short protein forms V1745I.
Identifiers: ClinVar variation 650204 (VCV000650204.8), dbSNP rs1593728098, ClinGen allele CA387376379.

ClinVar aggregate classification (germline): Uncertain significance (1 of 4 stars; one submission).

Conditions:
Colorectal cancer, susceptibility to, 12 (CRCS12). Also called: COLORECTAL CANCER, SUSCEPTIBILITY TO, ON CHROMOSOME 12q24. Identifiers: Orphanet 220460, MedGen C3554460, MONDO:0014038, OMIM 615083.

Submission:

Labcorp Genetics (formerly Invitae), Labcorp
Classification: Uncertain significance for Colorectal cancer, susceptibility to, 12. Last evaluated: 2021-08-20. Review status: criteria provided, single submitter. Criteria: Invitae Variant Classification Sherloc (09022015). Collection method: clinical testing. Allele origin: germline.
Comment: This sequence change replaces valine with isoleucine at codon 1745 of the POLE protein (p.Val1745Ile). The valine residue is moderately conserved and there is a small physicochemical difference between valine and isoleucine. This variant is not present in population databases (ExAC no frequency). This variant has not been reported in the literature in individuals affected with POLE-related conditions. Algorithms developed to predict the effect of missense changes on protein structure and function output the following: SIFT: "Tolerated"; PolyPhen-2: "Benign"; Align-GVGD: "Class C0". The isoleucine amino acid residue is found in multiple mammalian species, which suggests that this missense change does not adversely affect protein function. In summary, the available evidence is currently insufficient to determine the role of this variant in disease. Therefore, it has been classified as a Variant of Uncertain Significance.